The following is an entry in ClinVar:

NM_000459.5(TEK):c.3008G>A (p.Arg1003His)

Gene: TEK (TEK receptor tyrosine kinase; plus strand). Cytogenetic location: 9p21.2.
Variant type: single nucleotide variant.
Coding change: c.3008G>A on transcript NM_000459.5 (MANE Select); coding-DNA position 3008, G replaced by A.
Protein change: p.Arg1003His; replaces arginine 1003 with histidine.
Molecular consequence: missense variant.
Genome position (GRCh38, 1-based): chr9:27,217,704, G>A. VCF-style: chr9-27217704-G-A. GRCh37 (hg19) VCF-style: chr9-27217702-G-A.
Other names: c.2879G>A, p.Arg960His (NM_001290077.2); c.2564G>A, p.Arg855His (NM_001290078.2); c.3005G>A, p.Arg1002His (NM_001375475.1); c.2876G>A, p.Arg959His (NM_001375476.1); short protein forms R1002H, R1003H, R855H, R959H, R960H.
Identifiers: ClinVar variation 4526972 (VCV004526972.1).

ClinVar aggregate classification (germline): Uncertain significance (1 of 4 stars; one submission).

gnomAD v4.1: 8 of 1,613,778 alleles (0.0005%); highest among the groups gnomAD compares: African/African-American, 0.0013%; no homozygotes.

Submission:

GeneDx
Classification: Uncertain significance. Last evaluated: 2025-05-08. Review status: criteria provided, single submitter. Criteria: GeneDx Variant Classification Process June 2021. Collection method: clinical testing. Allele origin: germline. Affected: yes.
Comment: Not observed at significant frequency in large population cohorts (gnomAD); In silico analysis supports that this missense variant has a deleterious effect on protein structure/function; This variant is associated with the following publications: (PMID: 34956319)